The following is an entry in ClinVar:

NM_000264.5(PTCH1):c.555del (p.Ser186fs)

Gene: PTCH1 (patched 1; minus strand). Cytogenetic location: 9q22.32.
Variant type: Deletion.
Coding change: c.555del on transcript NM_000264.5 (MANE Select); coding-DNA position 555, one base deleted (C; older notation c.555delC).
Protein change: p.Ser186fs; shifts the reading frame from serine 186.
Molecular consequence: frameshift variant. On other transcripts: non-coding transcript variant (1).
Genome position (GRCh38, 1-based): chr9:95,485,714, G deleted on the plus strand (C on the coding strand, the reverse complement: PTCH1 is on the minus strand); the first of 2 consecutive G bases (chr9:95,485,714-95,485,715); deleting either gives the same sequence. VCF-style (leftmost placement, unchanged base first): chr9-95485713-TG-T. GRCh37 (hg19) VCF-style: chr9-98247995-TG-T.
Other names: c.357del, p.Ser120fs (NM_001083602.3, NM_001354919.2); c.552del, p.Ser185fs (NM_001083603.3); c.102del, p.Ser35fs (NM_001083604.3, NM_001083605.3, NM_001083606.3 and 1 more transcripts); c.555del, p.Ser186fs (NM_001354918.2); short protein forms S185fs, S120fs, S186fs, S35fs.
Identifiers: ClinVar variation 1366128 (VCV001366128.6), dbSNP rs2118538755, ClinGen allele CA2573144846.
Genomic context (GRCh38, chr9:95,485,713, plus strand): 5'-GCTCATTAGTAGGTGGACGCGGCGGGCCTTACCTGTTGTACATGTATACATGGACACGGC[TG>T]GCCTGGAGTGCCGAGTCCAGGTGTTGTAGGAGCGCTTCTGTGGTCAGGACATTAGCACCT-3'

ClinVar aggregate classification (germline): Pathogenic (1 of 4 stars; one submission).

Conditions:
Gorlin syndrome. Also called: Basal cell nevus syndrome; Nevoid Basal Cell Carcinoma Syndrome. Identifiers: Orphanet 377, MedGen C0004779, MONDO:0007187.

Submission:

Labcorp Genetics (formerly Invitae), Labcorp
Classification: Pathogenic for Gorlin syndrome. Last evaluated: 2021-04-28. Review status: criteria provided, single submitter. Criteria: Invitae Variant Classification Sherloc (09022015). Collection method: clinical testing. Allele origin: germline.
Comment: This sequence change creates a premature translational stop signal (p.Ser186Alafs*34) in the PTCH1 gene. It is expected to result in an absent or disrupted protein product. Loss-of-function variants in PTCH1 are known to be pathogenic (PMID: 16301862, 16419085). This variant is not present in population databases (ExAC no frequency). This variant has not been reported in the literature in individuals with PTCH1-related conditions. For these reasons, this variant has been classified as Pathogenic.

Literature cited by the submitters: PubMed 16301862; PubMed 16419085.